The following is an entry in ClinVar:

NM_000465.4(BARD1):c.250C>G (p.Pro84Ala)

Gene: BARD1 (BRCA1 associated RING domain 1; minus strand). Cytogenetic location: 2q35.
Variant type: single nucleotide variant.
Coding change: c.250C>G on transcript NM_000465.4 (MANE Select); coding-DNA position 250, C replaced by G.
Protein change: p.Pro84Ala; replaces proline 84 with alanine.
Molecular consequence: missense variant. On other transcripts: non-coding transcript variant (1), intron variant (2).
Genome position (GRCh38, 1-based): chr2:214,792,411, G>C on the plus strand (C>G on the coding strand, the complement: BARD1 is on the minus strand). VCF-style: chr2-214792411-G-C. GRCh37 (hg19) VCF-style: chr2-215657135-G-C.
Other names: c.193C>G, p.Pro65Ala (NM_001282543.2); c.250C>G, p.Pro84Ala (NM_001282549.2); c.158+17001C>G (NM_001282548.2); c.215+4650C>G (NM_001282545.2); short protein forms P84A, P65A.
Identifiers: ClinVar variation 479127 (VCV000479127.18), dbSNP rs376248938, ClinGen allele CA350461219.

ClinVar aggregate classification (germline): Uncertain significance. Review status: criteria provided, multiple submitters, no conflicts (2 of 4 stars). 3 submissions from 3 submitters: Uncertain significance (3). Last evaluated 2025-12-20.

Conditions:
Hereditary cancer-predisposing syndrome. Also called: Tumor predisposition; Hereditary Cancer Syndrome; Neoplastic Syndromes, Hereditary; Hereditary neoplastic syndrome. Identifiers: Orphanet 140162, MedGen C0027672, MeSH D009386, MONDO:0015356.
Familial cancer of breast. Also called: Hereditary breast cancer; BREAST CANCER, FAMILIAL; hereditary breast carcinoma. Identifiers: Orphanet 227535, MedGen C0346153, MONDO:0016419, OMIM 114480. Disease mechanism: loss of function.

Allele frequency attached by ClinVar (database versions not stated): gnomAD exomes below 0.00001; TOPMed below 0.00001; gnomAD 0.00001.
gnomAD v4.1: 5 of 1,609,264 alleles (0.00031%); highest among the groups gnomAD compares: African/African-American, 0.0027%; no homozygotes.

Submissions (3):

Ambry Genetics
Classification: Uncertain significance for Hereditary cancer-predisposing syndrome. Last evaluated: 2025-12-20. Review status: criteria provided, single submitter. Criteria: Ambry Variant Classification Scheme 2023. Collection method: clinical testing. Allele origin: germline.
Comment: The p.P84A variant (also known as c.250C>G), located in coding exon 3 of the BARD1 gene, results from a C to G substitution at nucleotide position 250. The proline at codon 84 is replaced by alanine, an amino acid with highly similar properties. This amino acid position is highly conserved in available vertebrate species. In addition, the in silico prediction for this alteration is inconclusive. Since supporting evidence is limited at this time, the clinical significance of this alteration remains unclear.

Labcorp Genetics (formerly Invitae), Labcorp
Classification: Uncertain significance for Familial cancer of breast. Last evaluated: 2023-09-01. Review status: criteria provided, single submitter. Criteria: Invitae Variant Classification Sherloc (09022015). Collection method: clinical testing. Allele origin: germline.
Comment: In summary, the available evidence is currently insufficient to determine the role of this variant in disease. Therefore, it has been classified as a Variant of Uncertain Significance. An algorithm developed to predict the effect of missense changes on protein structure and function (PolyPhen-2) suggests that this variant is likely to be disruptive. ClinVar contains an entry for this variant (Variation ID: 479127). This variant has not been reported in the literature in individuals affected with BARD1-related conditions. This variant is present in population databases (no rsID available, gnomAD 0.0009%). This sequence change replaces proline, which is neutral and non-polar, with alanine, which is neutral and non-polar, at codon 84 of the BARD1 protein (p.Pro84Ala).

Color Diagnostics, LLC DBA Color Health
Classification: Uncertain significance for Hereditary cancer-predisposing syndrome. Last evaluated: 2020-12-11. Review status: criteria provided, single submitter. Criteria: ACMG Guidelines, 2015. Collection method: clinical testing. Allele origin: germline.
Comment: This missense variant replaces proline with alanine at codon 84 of the BARD1 protein. Computational prediction suggests that this variant may have deleterious impact on protein structure and function (internally defined REVEL score threshold >= 0.7, PMID: 27666373). To our knowledge, functional studies have not been reported for this variant. This variant has not been reported in individuals affected with hereditary cancer in the literature. This variant has been identified in 1/250052 chromosomes in the general population by the Genome Aggregation Database (gnomAD). The available evidence is insufficient to determine the role of this variant in disease conclusively. Therefore, this variant is classified as a Variant of Uncertain Significance.